The following is an entry in ClinVar:

ClinVar aggregate classification (germline): Pathogenic (1 of 4 stars; one submission).

Conditions:
Rhabdoid tumor predisposition syndrome 2 (RTPS2). Identifiers: Orphanet 231108, Orphanet 69077, MedGen C2750074, MONDO:0013224, OMIM 613325.

Submission:

Labcorp Genetics (formerly Invitae), Labcorp
Classification: Pathogenic for Rhabdoid tumor predisposition syndrome 2. Last evaluated: 2024-05-06. Review status: criteria provided, single submitter. Criteria: Invitae Variant Classification Sherloc (09022015). Collection method: clinical testing. Allele origin: germline.
Comment: This sequence change creates a premature translational stop signal (p.Gln1586*) in the SMARCA4 gene. It is expected to result in an absent or disrupted protein product. Loss-of-function variants in SMARCA4 are known to be pathogenic (PMID: 24658001, 24658002). This variant is not present in population databases (gnomAD no frequency). This variant has not been reported in the literature in individuals affected with SMARCA4-related conditions. ClinVar contains an entry for this variant (Variation ID: 537813). For these reasons, this variant has been classified as Pathogenic.

Literature cited by the submitters: PubMed 24658001; PubMed 24658002.

NM_003072.5(SMARCA4):c.4660C>T (p.Gln1554Ter)

Gene: SMARCA4 (SWI/SNF related BAF chromatin remodeling complex subunit ATPase 4; plus strand). Cytogenetic location: 19p13.2.
Variant type: single nucleotide variant.
Coding change: c.4660C>T on transcript NM_003072.5 (MANE Select); coding-DNA position 4660, C replaced by T.
Protein change: p.Gln1554Ter; replaces glutamine 1554 with a stop codon.
Molecular consequence: nonsense. On other transcripts: non-coding transcript variant (1).
Genome position (GRCh38, 1-based): chr19:11,059,777, C>T. VCF-style: chr19-11059777-C-T. GRCh37 (hg19) VCF-style: chr19-11170453-C-T.
Other names: c.4660C>T, p.Gln1554Ter (NM_001128844.3); c.4570C>T, p.Gln1524Ter (NM_001128845.2); c.4567C>T, p.Gln1523Ter (NM_001128846.2); c.4561C>T, p.Gln1521Ter (NM_001128847.4, NM_001374457.1); c.4558C>T, p.Gln1520Ter (NM_001128848.2); c.4756C>T, p.Gln1586Ter (NM_001128849.3, NM_001387283.1); short protein forms Q1586*, Q1524*, Q1520*, Q1521*, Q1523*, Q1554*.
Identifiers: ClinVar variation 537813 (VCV000537813.9), dbSNP rs1555795884, ClinGen allele CA404079246.
Genomic context (GRCh38, chr19:11,059,777, plus strand): 5'-GGCCCATCCACTCAAGCCCCTGGTGTCTCTGCCCAGATCTATGAAGACTCCATCGTCTTG[C>T]AGTCGGTCTTCACCAGCGTGCGGCAGAAAATCGAGAAGGAGGATGACAGTGAAGGCGAGG-3'